The following is an entry in ClinVar:

NM_000701.8(ATP1A1):c.1942C>G (p.Leu648Val)

Genes: ATP1A1 (ATPase Na+/K+ transporting subunit alpha 1; plus strand), ATP1A1-AS1 (ATP1A1 antisense RNA 1; minus strand). Cytogenetic location: 1p13.1.
Variant type: single nucleotide variant.
Coding change: c.1942C>G on transcript NM_000701.8 (MANE Select); coding-DNA position 1942, C replaced by G.
Protein change: p.Leu648Val; replaces leucine 648 with valine.
Molecular consequence: missense variant.
Genome position (GRCh38, 1-based): chr1:116,396,703, C>G. VCF-style: chr1-116396703-C-G. GRCh37 (hg19) VCF-style: chr1-116939325-C-G.
Other names: c.1942C>G, p.Leu648Val (NM_001160233.2); c.1849C>G, p.Leu617Val (NM_001160234.2); short protein forms L617V, L648V.
Identifiers: ClinVar variation 4799930 (VCV004799930.1).

ClinVar aggregate classification (germline): Uncertain significance (1 of 4 stars; one submission).

Submission:

Labcorp Genetics (formerly Invitae), Labcorp
Classification: Uncertain significance. Last evaluated: 2025-04-08. Review status: criteria provided, single submitter. Criteria: Invitae Variant Classification Sherloc (09022015). Collection method: clinical testing. Allele origin: germline.
Comment: This sequence change replaces leucine, which is neutral and non-polar, with valine, which is neutral and non-polar, at codon 648 of the ATP1A1 protein (p.Leu648Val). This variant is not present in population databases (gnomAD no frequency). This variant has not been reported in the literature in individuals affected with ATP1A1-related conditions. Invitae Evidence Modeling of protein sequence and biophysical properties (such as structural, functional, and spatial information, amino acid conservation, physicochemical variation, residue mobility, and thermodynamic stability) indicates that this missense variant is expected to disrupt ATP1A1 protein function with a positive predictive value of 80%. In summary, the available evidence is currently insufficient to determine the role of this variant in disease. Therefore, it has been classified as a Variant of Uncertain Significance.